The following is an entry in ClinVar:

NM_001286445.3(RIPOR2):c.201C>T (p.Phe67=)

Gene: RIPOR2 (RHO family interacting cell polarization regulator 2; minus strand). Cytogenetic location: 6p22.3.
Variant type: single nucleotide variant.
Coding change: c.201C>T on transcript NM_001286445.3 (MANE Select); coding-DNA position 201, C replaced by T.
Protein change: p.Phe67=; no amino-acid change (phenylalanine 67 retained).
Molecular consequence: synonymous variant.
Genome position (GRCh38, 1-based): chr6:24,873,787, G>A on the plus strand (C>T on the coding strand, the complement: RIPOR2 is on the minus strand). VCF-style: chr6-24873787-G-A. GRCh37 (hg19) VCF-style: chr6-24874015-G-A.
Other names: c.216C>T, p.Phe72= (NM_001286446.3); c.114C>T, p.Phe38= (NM_001286447.2, NM_001346031.2, NM_001346032.2 and 2 more transcripts).
Identifiers: ClinVar variation 1680525 (VCV001680525.16), dbSNP rs771443041, ClinGen allele CA448972117.
Genomic context (GRCh38, chr6:24,873,787, plus strand): 5'-TAAATTGTGCATTTTCTTCAGTTTGGCCTGAGGCTTCTTGAGAGCGGAGGAATTTTCAAT[G>A]AAGGAGTTACACCTATGGAAAGAACAGAAGAAATTGTGAGGATTGGGCATCCAAAAGGAT-3'
Protein context (NP_001273374.1, residues 57-77): LQERRSRCNS[Phe67=]IENSSALKKP

ClinVar aggregate classification (germline): Likely benign. Review status: criteria provided, multiple submitters, no conflicts (2 of 4 stars). 2 submissions from 2 submitters: Likely benign (2). Last evaluated 2025-07-01.

Submissions (2):

CeGaT Center for Human Genetics Tuebingen
Classification: Likely benign. Last evaluated: 2025-07-01. Review status: criteria provided, single submitter. Criteria: CeGaT Center For Human Genetics Tuebingen Variant Classification Criteria Version 2. Collection method: clinical testing. Allele origin: germline. Affected: yes. Observed: 1 variant allele.
Comment: RIPOR2: PM2:Supporting, BP4, BP7

Labcorp Genetics (formerly Invitae), Labcorp
Classification: Likely benign. Last evaluated: 2025-01-11. Review status: criteria provided, single submitter. Criteria: Invitae Variant Classification Sherloc (09022015). Collection method: clinical testing. Allele origin: germline.